The following is an entry in ClinVar:

ClinVar aggregate classification (germline): Uncertain significance. Review status: criteria provided, multiple submitters, no conflicts (2 of 4 stars). 2 submissions from 2 submitters: Uncertain significance (2). Last evaluated 2025-10-23.

Allele frequency attached by ClinVar (database versions not stated): TOPMed 0.00007; ESP Exome Variant Server 0.00023; ExAC 0.00007; gnomAD 0.00005.
gnomAD v4.1: 108 of 1,614,148 alleles (0.0067%); highest among the groups gnomAD compares: South Asian, 0.025%; no homozygotes.

Submissions (2):

Ambry Genetics
Classification: Uncertain significance. Last evaluated: 2025-10-23. Review status: criteria provided, single submitter. Criteria: Ambry Variant Classification Scheme 2023. Collection method: clinical testing. Allele origin: germline.

Labcorp Genetics (formerly Invitae), Labcorp
Classification: Uncertain significance. Last evaluated: 2022-06-26. Review status: criteria provided, single submitter. Criteria: Invitae Variant Classification Sherloc (09022015). Collection method: clinical testing. Allele origin: germline.
Comment: This sequence change replaces alanine, which is neutral and non-polar, with valine, which is neutral and non-polar, at codon 483 of the ARNT2 protein (p.Ala483Val). This variant is present in population databases (rs370262135, gnomAD 0.03%). This variant has not been reported in the literature in individuals affected with ARNT2-related conditions. Algorithms developed to predict the effect of missense changes on protein structure and function (SIFT, PolyPhen-2, Align-GVGD) all suggest that this variant is likely to be tolerated. Algorithms developed to predict the effect of sequence changes on RNA splicing suggest that this variant may create or strengthen a splice site. In summary, the available evidence is currently insufficient to determine the role of this variant in disease. Therefore, it has been classified as a Variant of Uncertain Significance.

NM_014862.4(ARNT2):c.1448C>T (p.Ala483Val)

Gene: ARNT2 (aryl hydrocarbon receptor nuclear translocator 2; plus strand). Cytogenetic location: 15q25.1.
Variant type: single nucleotide variant.
Coding change: c.1448C>T on transcript NM_014862.4 (MANE Select); coding-DNA position 1448, C replaced by T.
Protein change: p.Ala483Val; replaces alanine 483 with valine.
Molecular consequence: missense variant.
Genome position (GRCh38, 1-based): chr15:80,575,045, C>T. VCF-style: chr15-80575045-C-T. GRCh37 (hg19) VCF-style: chr15-80867386-C-T.
Other names: c.1448C>T (NM_014862.3); short protein forms A483V.
Identifiers: ClinVar variation 2148823 (VCV002148823.2), dbSNP rs370262135, ClinGen allele CA7692040.
Genomic context (GRCh38, chr15:80,575,045, plus strand): 5'-AGGTCCCCGTCCCCAACCTACCAGCCGGTGTTCATGAGGCCGGGAAGTCCGTGGAAAAGG[C>T]GGATGCAATCTTCTCCCAGGAAAGAGATCCTCGGTTTGCTGAAATGTTTGCAGGAATTAG-3'
Protein context (NP_055677.3, residues 473-493): VHEAGKSVEK[Ala483Val]DAIFSQERDP